The following is an entry in ClinVar:

NM_001371928.1(AHDC1):c.478C>G (p.Pro160Ala)

Gene: AHDC1 (AT-hook DNA binding motif containing 1; minus strand). Cytogenetic location: 1p36.11.
Variant type: single nucleotide variant.
Coding change: c.478C>G on transcript NM_001371928.1 (MANE Select); coding-DNA position 478, C replaced by G.
Protein change: p.Pro160Ala; replaces proline 160 with alanine.
Molecular consequence: missense variant.
Genome position (GRCh38, 1-based): chr1:27,551,638, G>C on the plus strand (C>G on the coding strand, the complement: AHDC1 is on the minus strand). VCF-style: chr1-27551638-G-C. GRCh37 (hg19) VCF-style: chr1-27878149-G-C.
Other names: c.478C>G, p.Pro160Ala (NM_001029882.3); short protein forms P160A.
Identifiers: ClinVar variation 2715553 (VCV002715553.3), dbSNP rs1443802544, ClinGen allele CA339237075.
Genomic context (GRCh38, chr1:27,551,638, plus strand): 5'-GGCTACGGATGCTGTTGGCCAAACTGGGTGAGGAGAAGAAGCTGTACTGTAGGTCGCCGG[G>C]TGGCGGTGCAGGCGGGCGGCTCAGTCGGAGCCCACCACAGTCCAGGTGTACACCACTGTG-3'
Protein context (NP_001358857.1, residues 150-170): LRLSRPPAPP[Pro160Ala]GDLQYSFFSS

ClinVar aggregate classification (germline): Uncertain significance (1 of 4 stars; one submission).

Submission:

Labcorp Genetics (formerly Invitae), Labcorp
Classification: Uncertain significance. Last evaluated: 2023-06-15. Review status: criteria provided, single submitter. Criteria: Invitae Variant Classification Sherloc (09022015). Collection method: clinical testing. Allele origin: germline.
Comment: This sequence change replaces proline, which is neutral and non-polar, with alanine, which is neutral and non-polar, at codon 160 of the AHDC1 protein (p.Pro160Ala). This variant is not present in population databases (gnomAD no frequency). This variant has not been reported in the literature in individuals affected with AHDC1-related conditions. An algorithm developed to predict the effect of missense changes on protein structure and function (PolyPhen-2) suggests that this variant is likely to be disruptive. In summary, the available evidence is currently insufficient to determine the role of this variant in disease. Therefore, it has been classified as a Variant of Uncertain Significance.